The following is an entry in ClinVar:

NM_001267550.2(TTN):c.63632T>C (p.Val21211Ala)

Genes: TTN (titin; minus strand), TTN-AS1 (TTN antisense RNA 1; plus strand). Cytogenetic location: 2q31.2.
Variant type: single nucleotide variant.
Coding change: c.63632T>C on transcript NM_001267550.2 (MANE Select); coding-DNA position 63632, T replaced by C.
Protein change: p.Val21211Ala; replaces valine 21211 with alanine.
Molecular consequence: missense variant.
Genome position (GRCh38, 1-based): chr2:178,587,677, A>G on the plus strand (T>C on the coding strand, the complement: TTN is on the minus strand). VCF-style: chr2-178587677-A-G. GRCh37 (hg19) VCF-style: chr2-179452404-A-G.
Other names: c.55928T>C, p.Val18643Ala (NM_133378.4); c.58709T>C, p.Val19570Ala (NM_001256850.1); c.36437T>C, p.Val12146Ala (NM_003319.4); c.36812T>C, p.Val12271Ala (NM_133432.3); c.37013T>C, p.Val12338Ala (NM_133437.4); short protein forms V21211A, V18643A, V12338A, V12146A, V12271A, V19570A.
Identifiers: ClinVar variation 47198 (VCV000047198.5), dbSNP rs397517654, ClinGen allele CA140301.

ClinVar aggregate classification (germline): Uncertain significance (1 of 4 stars; one submission).

Allele frequency attached by ClinVar (database versions not stated): gnomAD exomes below 0.00001.
gnomAD v4.1: 3 of 1,612,942 alleles (0.00019%); highest among the groups gnomAD compares: Non-Finnish European, 0.00025%; no homozygotes.

Submission:

Laboratory for Molecular Medicine, Mass General Brigham Personalized Medicine
Classification: Uncertain significance. Last evaluated: 2011-12-12. Review status: criteria provided, single submitter. Criteria: LMM Criteria. Collection method: clinical testing. Allele origin: germline. Observed: 1 variant allele.
Comment: The Val18643Ala variant (TTN) has not been reported in the literature or previou sly identified by our laboratory. Valine (Val) at position 18643 is not well con served outside of mammals (chicken and frogs have a Met, suggesting that a chang e would be tolerated. However, computational tools (AlignGVGD and SIFT) predict that a change to alanine (Ala) would impact the protein, though the accuracy of these tools is unknown. Additional information is needed to fully assess the cli nical significance of this variant.